The following is an entry in ClinVar:

NM_000088.4(COL1A1):c.3283_3284dup (p.Asp1095fs)

Gene: COL1A1 (collagen type I alpha 1 chain; minus strand). Cytogenetic location: 17q21.33.
Variant type: Duplication.
Coding change: c.3283_3284dup on transcript NM_000088.4 (MANE Select); coding-DNA positions 3283 to 3284, 2 bases duplicated (GA; older notation c.3283_3284dupGA).
Protein change: p.Asp1095fs; shifts the reading frame from aspartic acid 1095.
Molecular consequence: frameshift variant.
Genome position (GRCh38, 1-based): chr17:50,187,961-50,187,962, TC duplicated on the plus strand (GA on the coding strand, the reverse complement: COL1A1 is on the minus strand). VCF-style (leftmost placement, unchanged base first): chr17-50187960-G-GTC. GRCh37 (hg19) VCF-style: chr17-48265321-G-GTC.
Other names: c.3283_3284dupGA (NM_000088.3); short protein forms D1095fs.
Identifiers: ClinVar variation 456765 (VCV000456765.7), dbSNP rs1555572121, ClinGen allele CA658656702.
Genomic context (GRCh38, chr17:50,187,960, plus strand): 5'-GCCAGAGAAGCCACGGTGACCCTTTATGCCTCTGTCGCCCTGTTCGCCTGTCTCACCCTT[G>GTC]TCACCACGGGGGCCTTGGGGTCCCTAGAAGAGAGAAAGGGACAAACTGTCAGGCGGAAGT-3'

ClinVar aggregate classification (germline): Pathogenic (1 of 4 stars; one submission).

Conditions:
Osteogenesis imperfecta type I (OI1). Also called: OI, TYPE I; OSTEOGENESIS IMPERFECTA TARDA; OSTEOGENESIS IMPERFECTA WITH BLUE SCLERAE; Osteogenesis imperfecta type 1; Lobstein's Disease; Lobstein disease. Identifiers: Orphanet 216796, Orphanet 666, MedGen C0023931, MONDO:0008146, OMIM 166200. Disease mechanism: loss of function.

Submission:

Labcorp Genetics (formerly Invitae), Labcorp
Classification: Pathogenic for Osteogenesis imperfecta type I. Last evaluated: 2017-06-08. Review status: criteria provided, single submitter. Criteria: Invitae Variant Classification Sherloc (09022015). Collection method: clinical testing. Allele origin: germline.
Comment: This sequence change creates a premature translational stop signal (p.Asp1095Glufs*14) in the COL1A1 gene. It is expected to result in an absent or disrupted protein product. This variant is not present in population databases (ExAC no frequency). This variant has not been reported in the literature in individuals with a COL1A1-related disease. Loss-of-function variants in COL1A1 are known to be pathogenic (PMID: 9443882, 9295084, 7942841). For these reasons, this variant has been classified as Pathogenic.

Literature cited by the submitters: PubMed 9443882; PubMed 9295084; PubMed 7942841.